The following is an entry in ClinVar:

ClinVar aggregate classification (germline): Conflicting classifications of pathogenicity. Review status: criteria provided, conflicting classifications (1 of 4 stars). 3 submissions from 3 submitters: Likely pathogenic (2); Uncertain significance (1). Last evaluated 2025-05-19.

Conditions:
Fetal akinesia deformation sequence 3. Identifiers: MedGen C4760599, MONDO:0100103, OMIM 618389.
Congenital myasthenic syndrome 10. Also called: Myasthenia, limb-girdle, familial. Identifiers: Orphanet 590, MedGen C1850792, MONDO:0009690, OMIM 254300.
Fetal akinesia deformation sequence 1 (FADS1). Also called: Pena-Shokeir syndrome type I; Fetal akinesia sequence. Identifiers: Orphanet 994, MedGen C1276035, MONDO:0100101, OMIM 208150, HP:0001989.

Allele frequency attached by ClinVar (database versions not stated): gnomAD exomes below 0.00001; ExAC 0.00001; TOPMed 0.00001; gnomAD 0.00002.

Submissions (3):

Labcorp Genetics (formerly Invitae), Labcorp
Classification: Uncertain significance for Congenital myasthenic syndrome 10; Fetal akinesia deformation sequence 1. Last evaluated: 2025-05-19. Review status: criteria provided, single submitter. Criteria: Invitae Variant Classification Sherloc (09022015). Collection method: clinical testing. Allele origin: germline.
Comment: This sequence change affects a splice site in intron 6 of the DOK7 gene. While this variant is not anticipated to result in nonsense mediated decay, it likely alters RNA splicing and results in a disrupted protein product. This variant is present in population databases (rs770163440, gnomAD 0.007%). This variant has not been reported in the literature in individuals affected with DOK7-related conditions. ClinVar contains an entry for this variant (Variation ID: 804440). Variants that disrupt the consensus splice site are a relatively common cause of aberrant splicing (PMID: 17576681, 9536098). Algorithms developed to predict the effect of sequence changes on RNA splicing suggest that this variant may disrupt the consensus splice site. In summary, the available evidence is currently insufficient to determine the role of this variant in disease. Therefore, it has been classified as a Variant of Uncertain Significance.

Baylor Genetics
Classification: Likely pathogenic for Fetal akinesia deformation sequence 3. Last evaluated: 2024-02-05. Review status: criteria provided, single submitter. Criteria: ACMG Guidelines, 2015. Collection method: clinical testing. Allele origin: unknown.

Hadassah Hebrew University Medical Center
Classification: Likely pathogenic for Congenital myasthenic syndrome 10. Last evaluated: 2019-06-20. Review status: criteria provided, single submitter. Criteria: ACMG Guidelines, 2015. Collection method: clinical testing. Allele origin: germline. Inheritance: Autosomal recessive inheritance. Affected: yes.

Literature cited by the submitters: PubMed 17576681 (cited by Labcorp Genetics (formerly Invitae), Labcorp); PubMed 9536098 (cited by Labcorp Genetics (formerly Invitae), Labcorp).

NM_173660.5(DOK7):c.773-2_773-1del

Gene: DOK7 (docking protein 7; plus strand). Cytogenetic location: 4p16.3.
Variant type: Deletion.
Coding change: c.773-2_773-1del on transcript NM_173660.5 (MANE Select); the canonical splice acceptor site of the intron before coding-DNA position 773, 2 bases deleted (AG; older notation c.773-2_773-1delAG).
Molecular consequence: splice acceptor variant.
Genome position (GRCh38, 1-based): chr4:3,492,757-3,492,758, AG deleted. VCF-style (leftmost placement, unchanged base first): chr4-3492756-CAG-C. GRCh37 (hg19) VCF-style: chr4-3494483-CAG-C.
Other names: c.773-2_773-1del (NM_001301071.2); c.341-2_341-1del (NM_001363811.2); c.762-2_762-1del (NM_001164673.2); c.-158-2_-158-1del (NM_001256896.2).
Identifiers: ClinVar variation 804440 (VCV000804440.7), dbSNP rs770163440, ClinGen allele CA2829221.